The following is an entry in ClinVar:

ClinVar aggregate classification (germline): Pathogenic (1 of 4 stars; one submission).

Conditions:
Juvenile polyposis syndrome (JPS). Identifiers: Orphanet 2929, MedGen C0345893, MONDO:0017380, OMIM 174900.

Submission:

Myriad Genetics, Inc.
Classification: Pathogenic for Juvenile polyposis syndrome. Last evaluated: 2023-05-26. Review status: criteria provided, single submitter. Criteria: Myriad Autosomal Dominant, Autosomal Recessive and X-Linked Classification Criteria (2023). Collection method: clinical testing. Allele origin: unknown.
Comment: This variant is considered pathogenic. This variant creates a frameshift predicted to result in premature protein truncation.

NM_004329.3(BMPR1A):c.634del (p.Gln212fs)

Gene: BMPR1A (bone morphogenetic protein receptor type 1A; plus strand). Cytogenetic location: 10q23.2.
Variant type: Deletion.
Coding change: c.634del on transcript NM_004329.3 (MANE Select); coding-DNA position 634, one base deleted (C; older notation c.634delC).
Protein change: p.Gln212fs; shifts the reading frame from glutamine 212.
Molecular consequence: frameshift variant. On other transcripts: non-coding transcript variant (3), intron variant (1).
Genome position (GRCh38, 1-based): chr10:86,912,343, C deleted; the last of 2 consecutive C bases (chr10:86,912,342-86,912,343); deleting either gives the same sequence. VCF-style (leftmost placement, unchanged base first): chr10-86912341-AC-A. GRCh37 (hg19) VCF-style: chr10-88672098-AC-A.
Other names: c.709del, p.Gln237fs (NM_001406559.1); c.682del, p.Gln228fs (NM_001406560.1); c.634del, p.Gln212fs (NM_001406561.1, NM_001406562.1, NM_001406563.1 and 20 more transcripts); c.550del, p.Gln184fs (NM_001406584.1, NM_001406585.1, NM_001406586.1 and 2 more transcripts); c.334-4791del (NM_001406589.1); short protein forms Q184fs, Q212fs, Q228fs, Q237fs.
Identifiers: ClinVar variation 2584156 (VCV002584156.2), dbSNP rs2539574006, ClinGen allele CA2582342705.